The following is an entry in ClinVar:

ClinVar aggregate classification (germline): Uncertain significance (1 of 4 stars; one submission).

Conditions:
Hereditary cancer-predisposing syndrome. Also called: Neoplastic Syndromes, Hereditary; Tumor predisposition; Hereditary Cancer Syndrome; Hereditary neoplastic syndrome. Identifiers: Orphanet 140162, MedGen C0027672, MeSH D009386, MONDO:0015356.

Submission:

Ambry Genetics
Classification: Uncertain significance for Hereditary cancer-predisposing syndrome. Last evaluated: 2025-06-26. Review status: criteria provided, single submitter. Criteria: Ambry Variant Classification Scheme 2023. Collection method: clinical testing. Allele origin: germline.
Comment: The p.R2287I variant (also known as c.6860G>T), located in coding exon 11 of the BRCA2 gene, results from a G to T substitution at nucleotide position 6860. The arginine at codon 2287 is replaced by isoleucine, an amino acid with similar properties. This amino acid position is highly conserved in available vertebrate species. In addition, this alteration is predicted to be deleterious by in silico analysis. Based on the available evidence, the clinical significance of this variant remains unclear.

NM_000059.4(BRCA2):c.6860G>T (p.Arg2287Ile)

Gene: BRCA2 (BRCA2 DNA repair associated; plus strand). Cytogenetic location: 13q13.1.
Variant type: single nucleotide variant.
Coding change: c.6860G>T on transcript NM_000059.4 (MANE Select); coding-DNA position 6860, G replaced by T.
Protein change: p.Arg2287Ile; replaces arginine 2287 with isoleucine.
Molecular consequence: missense variant. On other transcripts: non-coding transcript variant (1), intron variant (1).
Genome position (GRCh38, 1-based): chr13:32,344,576, G>T. VCF-style: chr13-32344576-G-T. GRCh37 (hg19) VCF-style: chr13-32918713-G-T.
Other names: c.6860G>T, p.Arg2287Ile (NM_001406720.1, NM_001432077.1); c.1928G>T, p.Arg643Ile (NM_001406721.1); c.443G>T, p.Arg148Ile (NM_001406722.1); c.6842-2251G>T (NM_001406719.1); short protein forms R2287I, R148I, R643I.
Identifiers: ClinVar variation 4215252 (VCV004215252.1).
Genomic context (GRCh38, chr13:32,344,576, plus strand): 5'-TATTATTTGCCTTAAAAACATATATGAAATATTTCTTTTTAGGAGAACCCTCAATCAAAA[G>T]AAACTTATTAAATGAATTTGACAGGATAATAGAAAATCAAGAAAAATCCTTAAAGGCTTC-3'
Protein context (NP_000050.3, residues 2277-2297): LILVGEPSIK[Arg2287Ile]NLLNEFDRII